The following is an entry in ClinVar:

ClinVar aggregate classification (germline): Uncertain significance (1 of 4 stars; one submission).

Submission:

Labcorp Genetics (formerly Invitae), Labcorp
Classification: Uncertain significance. Last evaluated: 2024-04-22. Review status: criteria provided, single submitter. Criteria: Invitae Variant Classification Sherloc (09022015). Collection method: clinical testing. Allele origin: germline.
Comment: This sequence change creates a premature translational stop signal (p.Gly28Glufs*126) in the ALPK3 gene. It is unclear whether it will result in an absent or disrupted protein product because an in-frame methionine located at codon 203 has the potential to rescue this truncating variant. This variant is not present in population databases (gnomAD no frequency). This variant has not been reported in the literature in individuals affected with ALPK3-related conditions. In summary, the available evidence is currently insufficient to determine the role of this variant in disease. Therefore, it has been classified as a Variant of Uncertain Significance.

NC_000015.10:g.84816929del

Gene: ALPK3 (alpha kinase 3; plus strand). Cytogenetic location: 15q25.3.
Variant type: Deletion.
Genome position: GRCh38 VCF-style: chr15-84816927-AG-A. GRCh37 (hg19) VCF-style: chr15-85360158-AG-A.
Identifiers: ClinVar variation 3637978 (VCV003637978.2).
Genomic context (GRCh38, chr15:84,816,927, plus strand): 5'-CTATGTGCTGGGCCAACAGCCACTGGCGAGGCAAGGCGAGGGTCAGTCACGGCTGGTGCC[AG>A]GAAGAGGGCTGGTTCTTTGGCTCCCTGGTCTCCCGCGGTCTAGCCCAAGCTGGCCAGCGG-3'